The following is an entry in ClinVar:

NM_198904.4(GABRG2):c.1070A>G (p.His357Arg)

Gene: GABRG2 (gamma-aminobutyric acid type A receptor subunit gamma2; plus strand). Cytogenetic location: 5q34.
Variant type: single nucleotide variant.
Coding change: c.1070A>G on transcript NM_198904.4 (MANE Select); coding-DNA position 1070, A replaced by G.
Protein change: p.His357Arg; replaces histidine 357 with arginine.
Molecular consequence: missense variant. On other transcripts: intron variant (1).
Genome position (GRCh38, 1-based): chr5:162,149,255, A>G. VCF-style: chr5-162149255-A-G. GRCh37 (hg19) VCF-style: chr5-161576261-A-G.
Other names: c.1070A>G, p.His357Arg (NM_000816.3); c.1061A>G, p.His354Arg (NM_001375339.1); c.1067A>G, p.His356Arg (NM_001375341.1, NM_001375342.1); c.1190A>G, p.His397Arg (NM_001375343.1, NM_198903.2); c.1109A>G, p.His370Arg (NM_001375344.1); c.1004A>G, p.His335Arg (NM_001375345.1, NM_001375346.1); c.983A>G, p.His328Arg (NM_001375347.1); c.650A>G, p.His217Arg (NM_001375348.1, NM_001375350.1); and 2 more; short protein forms H217R, H262R, H328R, H335R, H354R, H356R, H357R, H370R.
Identifiers: ClinVar variation 3753886 (VCV003753886.2).

ClinVar aggregate classification (germline): Uncertain significance (1 of 4 stars; one submission).

Conditions:
Febrile seizures, familial, 8 (FEB8). Also called: CONVULSIONS, FAMILIAL FEBRILE, 8. Identifiers: Orphanet 36387, MedGen C1969810, MONDO:0011891, OMIM 607681.
EPILEPSY, CHILDHOOD ABSENCE, SUSCEPTIBILITY TO, 2 (ECA2). Identifiers: Orphanet 64280, MedGen C1843244, OMIM 607681.

Submission:

Labcorp Genetics (formerly Invitae), Labcorp
Classification: Uncertain significance for Febrile seizures, familial, 8; EPILEPSY, CHILDHOOD ABSENCE, SUSCEPTIBILITY TO, 2. Last evaluated: 2024-09-12. Review status: criteria provided, single submitter. Criteria: Invitae Variant Classification Sherloc (09022015). Collection method: clinical testing. Allele origin: germline.
Comment: This sequence change replaces histidine, which is basic and polar, with arginine, which is basic and polar, at codon 357 of the GABRG2 protein (p.His357Arg). This variant is not present in population databases (gnomAD no frequency). This variant has not been reported in the literature in individuals affected with GABRG2-related conditions. Invitae Evidence Modeling of protein sequence and biophysical properties (such as structural, functional, and spatial information, amino acid conservation, physicochemical variation, residue mobility, and thermodynamic stability) indicates that this missense variant is expected to disrupt GABRG2 protein function with a positive predictive value of 95%. In summary, the available evidence is currently insufficient to determine the role of this variant in disease. Therefore, it has been classified as a Variant of Uncertain Significance.